The following is an entry in ClinVar:

ClinVar aggregate classification (germline): Uncertain significance (1 of 4 stars; one submission).

Allele frequency attached by ClinVar (database versions not stated): gnomAD exomes below 0.00001.
gnomAD v4.1: 2 of 1,612,742 alleles (0.00012%); highest among the groups gnomAD compares: African/African-American, 0.0013%; no homozygotes.

Submission:

Labcorp Genetics (formerly Invitae), Labcorp
Classification: Uncertain significance. Last evaluated: 2022-12-02. Review status: criteria provided, single submitter. Criteria: Invitae Variant Classification Sherloc (09022015). Collection method: clinical testing. Allele origin: germline.
Comment: In summary, the available evidence is currently insufficient to determine the role of this variant in disease. Therefore, it has been classified as a Variant of Uncertain Significance. Advanced modeling of protein sequence and biophysical properties (such as structural, functional, and spatial information, amino acid conservation, physicochemical variation, residue mobility, and thermodynamic stability) performed at Invitae indicates that this missense variant is not expected to disrupt CLCN7 protein function. ClinVar contains an entry for this variant (Variation ID: 1381466). This variant has not been reported in the literature in individuals affected with CLCN7-related conditions. This variant is present in population databases (no rsID available, gnomAD no frequency). This sequence change replaces asparagine, which is neutral and polar, with aspartic acid, which is acidic and polar, at codon 657 of the CLCN7 protein (p.Asn657Asp).

NM_001287.6(CLCN7):c.1969A>G (p.Asn657Asp)

Gene: CLCN7 (chloride voltage-gated channel 7; minus strand). Cytogenetic location: 16p13.3.
Variant type: single nucleotide variant.
Coding change: c.1969A>G on transcript NM_001287.6 (MANE Select); coding-DNA position 1969, A replaced by G.
Protein change: p.Asn657Asp; replaces asparagine 657 with aspartic acid.
Molecular consequence: missense variant.
Genome position (GRCh38, 1-based): chr16:1,448,399, T>C on the plus strand (A>G on the coding strand, the complement: CLCN7 is on the minus strand). VCF-style: chr16-1448399-T-C. GRCh37 (hg19) VCF-style: chr16-1498400-T-C.
Other names: c.1897A>G, p.Asn633Asp (NM_001114331.3); short protein forms N633D, N657D.
Identifiers: ClinVar variation 1381466 (VCV001381466.8), dbSNP rs1467415380, ClinGen allele CA394186073.